The following is an entry in ClinVar:

NM_004006.3(DMD):c.10808A>T (p.Glu3603Val)

Gene: DMD (dystrophin; minus strand). Cytogenetic location: Xp21.2.
Variant type: single nucleotide variant.
Coding change: c.10808A>T on transcript NM_004006.3 (MANE Select); coding-DNA position 10808, A replaced by T.
Protein change: p.Glu3603Val; replaces glutamic acid 3603 with valine.
Molecular consequence: missense variant.
Genome position (GRCh38, 1-based): chrX:31,146,404, T>A on the plus strand (A>T on the coding strand, the complement: DMD is on the minus strand). VCF-style: chrX-31146404-T-A. GRCh37 (hg19) VCF-style: chrX-31164521-T-A.
Other names: c.10784A>T, p.Glu3595Val (NM_000109.4); c.10796A>T, p.Glu3599Val (NM_004009.3); c.10439A>T, p.Glu3480Val (NM_004010.3); c.6785A>T, p.Glu2262Val (NM_004011.4); c.6776A>T, p.Glu2259Val (NM_004012.4); c.3428A>T, p.Glu1143Val (NM_004013.3, NM_004021.3); c.2621A>T, p.Glu874Val (NM_004014.3); c.1604A>T, p.Glu535Val (NM_004015.3, NM_004016.3); and 3 more; short protein forms E1143V, E2259V, E3480V, E3599V, E2262V, E3595V, E3603V, E874V.
Identifiers: ClinVar variation 3692225 (VCV003692225.2).

ClinVar aggregate classification (germline): Uncertain significance (1 of 4 stars; one submission).

Conditions:
Duchenne muscular dystrophy (DMD). Also called: MUSCULAR DYSTROPHY, PSEUDOHYPERTROPHIC PROGRESSIVE, DUCHENNE TYPE; Duchenne Muscular Dystrophy (DMD). Identifiers: Orphanet 98896, MedGen C0013264, MONDO:0010679, OMIM 310200.

Submission:

Labcorp Genetics (formerly Invitae), Labcorp
Classification: Uncertain significance for Duchenne muscular dystrophy. Last evaluated: 2024-11-21. Review status: criteria provided, single submitter. Criteria: Invitae Variant Classification Sherloc (09022015). Collection method: clinical testing. Allele origin: germline.
Comment: This sequence change replaces glutamic acid, which is acidic and polar, with valine, which is neutral and non-polar, at codon 3603 of the DMD protein (p.Glu3603Val). This variant is not present in population databases (gnomAD no frequency). This variant has not been reported in the literature in individuals affected with DMD-related conditions. Invitae Evidence Modeling of protein sequence and biophysical properties (such as structural, functional, and spatial information, amino acid conservation, physicochemical variation, residue mobility, and thermodynamic stability) indicates that this missense variant is not expected to disrupt DMD protein function with a negative predictive value of 95%. In summary, the available evidence is currently insufficient to determine the role of this variant in disease. Therefore, it has been classified as a Variant of Uncertain Significance.